The following is an entry in ClinVar:

NM_006269.2(RP1):c.652G>A (p.Ala218Thr)

Gene: RP1 (RP1 axonemal microtubule associated; plus strand). Cytogenetic location: 8q12.1.
Variant type: single nucleotide variant.
Coding change: c.652G>A on transcript NM_006269.2 (MANE Select); coding-DNA position 652, G replaced by A.
Protein change: p.Ala218Thr; replaces alanine 218 with threonine.
Molecular consequence: missense variant.
Genome position (GRCh38, 1-based): chr8:54,622,153, G>A. VCF-style: chr8-54622153-G-A. GRCh37 (hg19) VCF-style: chr8-55534713-G-A.
Other names: c.652G>A, p.Ala218Thr (NM_001375654.1); short protein forms A218T.
Identifiers: ClinVar variation 959402 (VCV000959402.10), dbSNP rs145691085, ClinGen allele CA4751239.
Genomic context (GRCh38, chr8:54,622,153, plus strand): 5'-GATAATGACTCTGGTCTCTTTTAGGTTCCCAGCCTCCAGGCAGTGATCCTGAGCTCTGGA[G>A]CTGTGGTGGCGGCAGGAAGGGAGCCATTTAAACCAGGAAATTATGACATCCAAAAATACT-3'
Protein context (NP_006260.1, residues 208-228): SLQAVILSSG[Ala218Thr]VVAAGREPFK

ClinVar aggregate classification (germline): Uncertain significance. Review status: criteria provided, multiple submitters, no conflicts (2 of 4 stars). 4 submissions from 4 submitters: Uncertain significance (4). Last evaluated 2026-03-01.

Conditions:
RP1-related disorder. Also called: RP1-related condition.
Retinal dystrophy. Also called: Inherited retinal dystrophy. Identifiers: Orphanet 71862, MedGen C0854723, MeSH D058499, MONDO:0019118, HP:0000556.

Allele frequency attached by ClinVar (database versions not stated): ESP Exome Variant Server 0.00023; gnomAD 0.00024 and 0.00022; TOPMed 0.00026; gnomAD exomes 0.00029 and 0.00031; ExAC 0.00039.
gnomAD v4.1: 458 of 1,614,078 alleles (0.028%); highest among the groups gnomAD compares: Non-Finnish European, 0.033%; 2 homozygotes.

Submissions (4):

PreventionGenetics, part of Exact Sciences
Classification: Uncertain significance for RP1-related condition. Last evaluated: 2026-03-01. Review status: criteria provided, single submitter. Criteria: ACMG Guidelines, 2015. Collection method: clinical testing. Allele origin: germline.
Comment: The RP1 c.652G>A variant is predicted to result in the amino acid substitution p.Ala218Thr. This variant was reported in at least two individuals with retinitis pigmentosa (Berson et al. 2001. PubMed ID: 11527933; Supplementary table 1, Weisschuh et al. 2024. PubMed ID: 37734845); however, segregation data was not available. This variant is reported in 0.058% of alleles in individuals of Ashkenazi Jewish descent in gnomAD, including 1 homozygote, which may be too frequent to be a primary cause of disease. Although we suspect that this variant may be benign, the clinical significance of this variant is currently classified as uncertain due to the absence of conclusive functional and genetic evidence.

Labcorp Genetics (formerly Invitae), Labcorp
Classification: Uncertain significance. Last evaluated: 2025-12-31. Review status: criteria provided, single submitter. Criteria: Invitae Variant Classification Sherloc (09022015). Collection method: clinical testing. Allele origin: germline.
Comment: This sequence change replaces alanine, which is neutral and non-polar, with threonine, which is neutral and polar, at codon 218 of the RP1 protein (p.Ala218Thr). This variant is present in population databases (rs145691085, gnomAD 0.05%), including at least one homozygous and/or hemizygous individual. This missense change has been observed in individual(s) with clinical features of retinitis pigmentosa (PMID: 11527933; internal data). ClinVar contains an entry for this variant (Variation ID: 959402). An algorithm developed to predict the effect of missense changes on protein structure and function (PolyPhen-2) suggests that this variant is likely to be disruptive. In summary, the available evidence is currently insufficient to determine the role of this variant in disease. Therefore, it has been classified as a Variant of Uncertain Significance.

Blueprint Genetics
Classification: Uncertain significance. Last evaluated: 2024-11-07. Review status: criteria provided, single submitter. Criteria: ACMG Guidelines, 2015. Collection method: clinical testing. Allele origin: germline.

Institute of Human Genetics, Univ. Regensburg, Univ. Regensburg
Classification: Uncertain significance for Retinal dystrophy. Last evaluated: 2023-01-01. Review status: criteria provided, single submitter. Criteria: ACMG Guidelines, 2015. Collection method: clinical testing. Allele origin: germline. Affected: yes.

Literature cited by the submitters: PubMed 11527933 (cited by Labcorp Genetics (formerly Invitae), Labcorp and Institute of Human Genetics, Univ. Regensburg, Univ. Regensburg).